The following is an entry in ClinVar:

NM_001080477.4(TENM3):c.3716A>G (p.Tyr1239Cys)

Gene: TENM3 (teneurin transmembrane protein 3; plus strand). Cytogenetic location: 4q35.1.
Variant type: single nucleotide variant.
Coding change: c.3716A>G on transcript NM_001080477.4 (MANE Select); coding-DNA position 3716, A replaced by G.
Protein change: p.Tyr1239Cys; replaces tyrosine 1239 with cysteine.
Molecular consequence: missense variant.
Genome position (GRCh38, 1-based): chr4:182,751,886, A>G. VCF-style: chr4-182751886-A-G. GRCh37 (hg19) VCF-style: chr4-183673039-A-G.
Other names: c.2948A>G, p.Tyr983Cys (NM_001415960.1); c.2921A>G, p.Tyr974Cys (NM_001415961.1); c.2918A>G, p.Tyr973Cys (NM_001415962.1); c.2900A>G, p.Tyr967Cys (NM_001415963.1); c.2897A>G, p.Tyr966Cys (NM_001415964.1); c.3434A>G, p.Tyr1145Cys (NM_001415966.1); c.3458A>G, p.Tyr1153Cys (NM_001415967.1); c.3734A>G, p.Tyr1245Cys (NM_001415968.1); and 4 more; short protein forms Y1145C, Y1146C, Y1153C, Y1238C, Y1239C, Y1245C, Y1246C, Y966C.
Identifiers: ClinVar variation 2507076 (VCV002507076.1), dbSNP rs2531849491, ClinGen allele CA358827422.

ClinVar aggregate classification (germline): Uncertain significance (1 of 4 stars; one submission).

Submission:

GeneDx
Classification: Uncertain significance. Last evaluated: 2022-12-27. Review status: criteria provided, single submitter. Criteria: GeneDx Variant Classification Process June 2021. Collection method: clinical testing. Allele origin: germline. Affected: yes.
Comment: Not observed at significant frequency in large population cohorts (gnomAD); In silico analysis supports that this missense variant has a deleterious effect on protein structure/function; Has not been previously published as pathogenic or benign to our knowledge